The following is an entry in ClinVar:

ClinVar aggregate classification (germline): Uncertain significance (1 of 4 stars; one submission).

Conditions:
PCNT-related disorder. Also called: PCNT-related condition.

gnomAD v4.1: 1 of 1,614,166 alleles (0.000062%); highest among the groups gnomAD compares: Non-Finnish European, 0.000085%; no homozygotes.

Submission:

PreventionGenetics, part of Exact Sciences
Classification: Uncertain significance for PCNT-related condition. Last evaluated: 2025-06-02. Review status: criteria provided, single submitter. Criteria: ACMG Guidelines, 2015. Collection method: clinical testing. Allele origin: germline.
Comment: The PCNT c.6560A>G variant is predicted to result in the amino acid substitution p.Asp2187Gly. To our knowledge, this variant has not been reported in the literature or in a large population database (gnomAD), indicating this variant is rare. At this time, the clinical significance of this variant is uncertain due to the absence of conclusive functional and genetic evidence.

NM_006031.6(PCNT):c.6560A>G (p.Asp2187Gly)

Gene: PCNT (pericentrin; plus strand). Cytogenetic location: 21q22.3.
Variant type: single nucleotide variant.
Coding change: c.6560A>G on transcript NM_006031.6 (MANE Select); coding-DNA position 6560, A replaced by G.
Protein change: p.Asp2187Gly; replaces aspartic acid 2187 with glycine.
Molecular consequence: missense variant.
Genome position (GRCh38, 1-based): chr21:46,416,478, A>G. VCF-style: chr21-46416478-A-G. GRCh37 (hg19) VCF-style: chr21-47836392-A-G.
Other names: c.6206A>G, p.Asp2069Gly (NM_001315529.2); short protein forms D2187G, D2069G.
Identifiers: ClinVar variation 5001809 (VCV005001809.1).